The following is an entry in ClinVar:

ClinVar aggregate classification (germline): Uncertain significance (1 of 4 stars; one submission).

Submission:

Women's Health and Genetics/Laboratory Corporation of America, LabCorp
Classification: Uncertain significance. Last evaluated: 2025-04-18. Review status: criteria provided, single submitter. Criteria: LabCorp Variant Classification Summary - May 2015. Collection method: clinical testing. Allele origin: germline.
Comment: Variant summary: BCORL1 c.1748T>C (p.Met583Thr) results in a non-conservative amino acid change in the encoded protein sequence. Four of five in-silico tools predict a benign effect of the variant on protein function. The variant was absent in 182920 control chromosomes. The available data on variant occurrences in the general population are insufficient to allow any conclusion about variant significance. To our knowledge, no occurrence of c.1748T>C in individuals affected with Shukla-Vernon Syndrome and no experimental evidence demonstrating its impact on protein function have been reported. No submitters have cited clinical-significance assessments for this variant to ClinVar. Based on the evidence outlined above, the variant was classified as uncertain significance.

NM_001379451.1(BCORL1):c.1748T>C (p.Met583Thr)

Gene: BCORL1 (BCL6 corepressor like 1; plus strand). Cytogenetic location: Xq26.1.
Variant type: single nucleotide variant.
Coding change: c.1748T>C on transcript NM_001379451.1 (MANE Select); coding-DNA position 1748, T replaced by C.
Protein change: p.Met583Thr; replaces methionine 583 with threonine.
Molecular consequence: missense variant.
Genome position (GRCh38, 1-based): chrX:130,014,520, T>C. VCF-style: chrX-130014520-T-C. GRCh37 (hg19) VCF-style: chrX-129148496-T-C.
Other names: c.1748T>C, p.Met583Thr (NM_001184772.3, NM_001379450.1, NM_021946.5); short protein forms M583T.
Identifiers: ClinVar variation 3896181 (VCV003896181.2).